The following is an entry in ClinVar:

NM_001365536.1(SCN9A):c.1598A>G (p.Asn533Ser)

Genes: SCN9A (sodium voltage-gated channel alpha subunit 9; minus strand), SCN1A-AS1 (SCN1A and SCN9A antisense RNA 1; plus strand). Cytogenetic location: 2q24.3.
Variant type: single nucleotide variant.
Coding change: c.1598A>G on transcript NM_001365536.1 (MANE Select); coding-DNA position 1598, A replaced by G.
Protein change: p.Asn533Ser; replaces asparagine 533 with serine.
Molecular consequence: missense variant.
Genome position (GRCh38, 1-based): chr2:166,286,340, T>C on the plus strand (A>G on the coding strand, the complement: SCN9A is on the minus strand). VCF-style: chr2-166286340-T-C. GRCh37 (hg19) VCF-style: chr2-167142850-T-C.
Other names: c.1598A>G, p.Asn533Ser (NM_002977.4); short protein forms N533S.
Identifiers: ClinVar variation 538448 (VCV000538448.12), dbSNP rs199847980, ClinGen allele CA1944490.

ClinVar aggregate classification (germline): Uncertain significance. Review status: criteria provided, multiple submitters, no conflicts (2 of 4 stars). 3 submissions from 3 submitters: Uncertain significance (3). Last evaluated 2026-03-24.

Conditions:
Generalized epilepsy with febrile seizures plus, type 7 (GEFSP7). Also called: GEFS+, TYPE 7. Identifiers: Orphanet 36387, MedGen C2751778, MONDO:0013470, OMIM 613863.
Neuropathy, hereditary sensory and autonomic, type 2A (HSAN2A). Also called: ACROOSTEOLYSIS, GIACCAI TYPE; ACROOSTEOLYSIS, NEUROGENIC; WNK1-Related HSAN2 (HSAN2A); HSAN IIA; MORVAN DISEASE; NEUROPATHY, CONGENITAL SENSORY. Identifiers: Orphanet 970, MedGen C2752089, MONDO:0024309, OMIM 201300.
Inborn genetic diseases. Identifiers: MedGen C0950123, MeSH D030342.
SCN9A-related disorder. Also called: SCN9A-related disorders; SCN9A-related condition.

Allele frequency attached by ClinVar (database versions not stated): gnomAD exomes 0.00001 and 0.00003; ExAC 0.00003; gnomAD 0.00004; TOPMed 0.00007.
gnomAD v4.1: 25 of 1,604,040 alleles (0.0016%); highest among the groups gnomAD compares: African/African-American, 0.0094%; no homozygotes.

Submissions (3):

PreventionGenetics, part of Exact Sciences
Classification: Uncertain significance for SCN9A-related condition. Last evaluated: 2026-03-24. Review status: criteria provided, single submitter. Criteria: ACMG Guidelines, 2015. Collection method: clinical testing. Allele origin: germline.
Comment: The SCN9A c.1598A>G variant is predicted to result in the amino acid substitution p.Asn533Ser. To our knowledge, this variant has not been reported in the literature. This variant is reported in 0.017% of alleles in individuals of African descent in gnomAD. At this time, the clinical significance of this variant is uncertain due to the absence of conclusive functional and genetic evidence.

Labcorp Genetics (formerly Invitae), Labcorp
Classification: Uncertain significance for Neuropathy, hereditary sensory and autonomic, type 2A; Generalized epilepsy with febrile seizures plus, type 7. Last evaluated: 2025-12-30. Review status: criteria provided, single submitter. Criteria: Invitae Variant Classification Sherloc (09022015). Collection method: clinical testing. Allele origin: germline.
Comment: This sequence change replaces asparagine, which is neutral and polar, with serine, which is neutral and polar, at codon 533 of the SCN9A protein (p.Asn533Ser). This variant is present in population databases (rs199847980, gnomAD 0.02%). This variant has not been reported in the literature in individuals affected with SCN9A-related conditions. ClinVar contains an entry for this variant (Variation ID: 538448). An algorithm developed to predict the effect of missense changes on protein structure and function outputs the following: PolyPhen-2: "Benign". The serine amino acid residue is found in multiple mammalian species, which suggests that this missense change does not adversely affect protein function. Algorithms developed to predict the effect of sequence changes on RNA splicing suggest that this variant may disrupt the consensus splice site. In summary, the available evidence is currently insufficient to determine the role of this variant in disease. Therefore, it has been classified as a Variant of Uncertain Significance.

Ambry Genetics
Classification: Uncertain significance for Inborn genetic diseases. Last evaluated: 2021-02-25. Review status: criteria provided, single submitter. Criteria: Ambry Variant Classification Scheme 2023. Collection method: clinical testing. Allele origin: germline.
Comment: The p.N533S variant (also known as c.1598A>G), located in coding exon 10 of the SCN9A gene, results from an A to G substitution at nucleotide position 1598. The asparagine at codon 533 is replaced by serine, an amino acid with highly similar properties. This amino acid position is not well conserved in available vertebrate species, and serine is the reference amino acid in other vertebrate species. In addition, this alteration is predicted to be tolerated by in silico analysis. Since supporting evidence is limited at this time, the clinical significance of this alteration remains unclear.